The following is an entry in ClinVar:

NM_182961.4(SYNE1):c.1464-9T>C

Gene: SYNE1 (spectrin repeat containing nuclear envelope protein 1; minus strand). Cytogenetic location: 6q25.2.
Variant type: single nucleotide variant.
Coding change: c.1464-9T>C on transcript NM_182961.4 (MANE Select); 9 bases into the intron before coding-DNA position 1464, T replaced by C.
Molecular consequence: intron variant.
Genome position (GRCh38, 1-based): chr6:152,471,774, A>G on the plus strand (T>C on the coding strand, the complement: SYNE1 is on the minus strand). VCF-style: chr6-152471774-A-G. GRCh37 (hg19) VCF-style: chr6-152792909-A-G.
Other names: c.1485-9T>C (NM_033071.5, NM_033071.3).
Identifiers: ClinVar variation 1256357 (VCV001256357.2), dbSNP rs757728476, ClinGen allele CA4059384.

ClinVar aggregate classification (germline): Conflicting classifications of pathogenicity. Review status: criteria provided, conflicting classifications (1 of 4 stars). 2 submissions from 2 submitters: Uncertain significance (1); Likely benign (1). Last evaluated 2025-11-11.

Conditions:
SYNE1-related disorder. Also called: SYNE1-related disease; SYNE1-related condition; SYNE1-related disorders.

Allele frequency attached by ClinVar (database versions not stated): gnomAD exomes 0.00001; gnomAD 0.00002 and 0.00003; TOPMed 0.00002; ExAC 0.00001.
gnomAD v4.1: 27 of 1,612,780 alleles (0.0017%); highest among the groups gnomAD compares: Non-Finnish European, 0.002%; no homozygotes.

Submissions (2):

PreventionGenetics, part of Exact Sciences
Classification: Likely benign for SYNE1-related condition. Last evaluated: 2025-11-11. Review status: criteria provided, single submitter. Criteria: ACMG Guidelines, 2015. Collection method: clinical testing. Allele origin: germline.
Comment: This variant is classified as likely benign based on ACMG/AMP sequence variant interpretation guidelines (Richards et al. 2015 PMID: 25741868, with internal and published modifications).

Athena Diagnostics
Classification: Uncertain significance. Last evaluated: 2021-03-31. Review status: criteria provided, single submitter. Criteria: Athena Diagnostics criteria. Collection method: clinical testing. Allele origin: unknown.